The following is an entry in ClinVar:

NM_001393986.1(PRDM2):c.3070T>A (p.Ser1024Thr)

Gene: PRDM2 (PR/SET domain 2; plus strand). Cytogenetic location: 1p36.21.
Variant type: single nucleotide variant.
Coding change: c.3070T>A on transcript NM_001393986.1 (MANE Select); coding-DNA position 3070, T replaced by A.
Protein change: p.Ser1024Thr; replaces serine 1024 with threonine.
Molecular consequence: missense variant. On other transcripts: intron variant (1).
Genome position (GRCh38, 1-based): chr1:13,780,865, T>A. VCF-style: chr1-13780865-T-A. GRCh37 (hg19) VCF-style: chr1-14107360-T-A.
Other names: c.2467T>A, p.Ser823Thr (NM_001007257.3, NM_001393987.1, NM_001393988.1); c.3070T>A, p.Ser1024Thr (NM_012231.5, NM_015866.6); c.511+31378T>A (NM_001135610.2); short protein forms S1024T, S823T.
Identifiers: ClinVar variation 403342 (VCV000403342.5), dbSNP rs41269807, ClinGen allele CA610766.

ClinVar aggregate classification (germline): Likely benign. Review status: criteria provided, multiple submitters, no conflicts (2 of 4 stars). 2 submissions from 2 submitters: Likely benign (2). Last evaluated 2016-03-29.

Allele frequency attached by ClinVar (database versions not stated): 1000 Genomes Project 0.02077; 1000 Genomes Project 30x 0.02139; TOPMed 0.03027; gnomAD 0.03109 and 0.03137; ESP Exome Variant Server 0.03237; gnomAD exomes 0.03460 and 0.04242; ExAC 0.03516.
gnomAD v4.1: 66,475 of 1,610,400 alleles (4.1%); highest among the groups gnomAD compares: Non-Finnish European, 4.7%; 1,547 homozygotes.

Submissions (2):

Laboratory for Molecular Medicine, Mass General Brigham Personalized Medicine
Classification: Likely benign. Last evaluated: 2016-03-29. Review status: criteria provided, single submitter. Criteria: LMM Criteria. Collection method: clinical testing. Allele origin: germline.
Comment: Variant identified in a genome or exome case(s) and assessed due to predicted null impact of the variant or pathogenic assertions in the literature or databases. Disclaimer: This variant has not undergone full assessment. The following are preliminary notes: Frequency

Breakthrough Genomics
Classification: Likely benign. Review status: criteria provided, single submitter. Criteria: ACMG Guidelines, 2015. Collection method: not provided. Allele origin: germline. Inheritance: Unknown mechanism. Affected: yes.